The following is an entry in ClinVar:

ClinVar aggregate classification (germline): Pathogenic. Review status: criteria provided, multiple submitters, no conflicts (2 of 4 stars). 2 submissions from 2 submitters: Pathogenic (2). Last evaluated 2024-04-04.

Submissions (2):

GeneDx
Classification: Pathogenic. Last evaluated: 2024-04-04. Review status: criteria provided, single submitter. Criteria: GeneDx Variant Classification Process June 2021. Collection method: clinical testing. Allele origin: germline. Affected: yes.
Comment: Frameshift variant predicted to result in protein truncation or nonsense mediated decay in a gene for which loss-of-function is a known mechanism of disease; Not observed in large population cohorts (gnomAD); Has not been previously published as pathogenic or benign to our knowledge

Labcorp Genetics (formerly Invitae), Labcorp
Classification: Pathogenic. Last evaluated: 2019-09-02. Review status: criteria provided, single submitter. Criteria: Invitae Variant Classification Sherloc (09022015). Collection method: clinical testing. Allele origin: germline.
Comment: This sequence change creates a premature translational stop signal (p.Glu375Glyfs*4) in the NEXMIF gene. It is expected to result in an absent or disrupted protein product. This variant is not present in population databases (ExAC no frequency). This variant has not been reported in the literature in individuals with NEXMIF-related conditions. Loss-of-function variants in NEXMIF are known to be pathogenic (PMID: 23615299). For these reasons, this variant has been classified as Pathogenic.

Literature cited by the submitters: PubMed 23615299 (cited by Labcorp Genetics (formerly Invitae), Labcorp).

NM_001008537.3(NEXMIF):c.1123dup (p.Glu375fs)

Gene: NEXMIF (neurite extension and migration factor; minus strand). Cytogenetic location: Xq13.3.
Variant type: Duplication.
Coding change: c.1123dup on transcript NM_001008537.3 (MANE Select); coding-DNA position 1123, one base duplicated (G; older notation c.1123dupG).
Protein change: p.Glu375fs; shifts the reading frame from glutamic acid 375.
Molecular consequence: frameshift variant.
Genome position (GRCh38, 1-based): chrX:74,743,434, C duplicated on the plus strand (G on the coding strand, the reverse complement: NEXMIF is on the minus strand); the first of 6 consecutive C bases (chrX:74,743,434-74,743,439); duplicating any one gives the same sequence. VCF-style (leftmost placement, unchanged base first): chrX-74743433-T-TC. GRCh37 (hg19) VCF-style: chrX-73963268-T-TC.
Other names: c.1123dup (NM_001008537.1); short protein forms E375fs.
Identifiers: ClinVar variation 964134 (VCV000964134.4), dbSNP rs886041774, ClinGen allele CA1139667654.
Genomic context (GRCh38, chrX:74,743,433, plus strand): 5'-ACACCTTTGTCTTCCTGTCCTTCCTCTTTGCCTTTCTTCTTGTCCAAGTTTTTATCTTCC[T>TC]CCCCCCAGATGATGCTCACATCAGGGACCTTGAATTGGGAAAAATCACTGCTCTGCTTCA-3'